The following is an entry in ClinVar:

ClinVar aggregate classification (germline): Uncertain significance (1 of 4 stars; one submission).

Conditions:
Hereditary cancer-predisposing syndrome. Also called: Tumor predisposition; Hereditary neoplastic syndrome; Neoplastic Syndromes, Hereditary; Hereditary Cancer Syndrome. Identifiers: Orphanet 140162, MedGen C0027672, MeSH D009386, MONDO:0015356.

Submission:

Ambry Genetics
Classification: Uncertain significance for Hereditary cancer-predisposing syndrome. Last evaluated: 2025-05-13. Review status: criteria provided, single submitter. Criteria: Ambry Variant Classification Scheme 2023. Collection method: clinical testing. Allele origin: germline.
Comment: The c.3341_3342delAG variant, located in coding exon 19 of the BRIP1 gene, results from a deletion of two nucleotides at nucleotide positions 3341 to 3342, causing a translational frameshift with a predicted alternate stop codon (p.Q1114Lfs*5). This alteration occurs at the 3' terminus of BRIP1 gene, is not expected to trigger nonsense-mediated mRNAdecay, and impacts the last 10% of the protein. The exact functional effect of this alteration is unknown. Based on the available evidence, the clinical significance of this variant remains unclear.

NM_032043.3(BRIP1):c.3341_3342del (p.Gln1114fs)

Gene: BRIP1 (BRCA1 interacting DNA helicase 1; minus strand). Cytogenetic location: 17q23.2.
Variant type: Deletion.
Coding change: c.3341_3342del on transcript NM_032043.3 (MANE Select); coding-DNA positions 3341 to 3342, 2 bases deleted (AG; older notation c.3341_3342delAG).
Protein change: p.Gln1114fs; shifts the reading frame from glutamine 1114.
Molecular consequence: frameshift variant.
Genome position (GRCh38, 1-based): chr17:61,683,704-61,683,705, CT deleted on the plus strand (AG on the coding strand, the reverse complement: BRIP1 is on the minus strand). VCF-style (leftmost placement, unchanged base first): chr17-61683703-ACT-A. GRCh37 (hg19) VCF-style: chr17-59761064-ACT-A.
Other names: short protein forms Q1114fs.
Identifiers: ClinVar variation 3993144 (VCV003993144.1).